The following is an entry in ClinVar:

NM_006904.7(PRKDC):c.2452C>T (p.Leu818Phe)

Gene: PRKDC (protein kinase, DNA-activated, catalytic subunit; minus strand). Cytogenetic location: 8q11.21.
Variant type: single nucleotide variant.
Coding change: c.2452C>T on transcript NM_006904.7 (MANE Select); coding-DNA position 2452, C replaced by T.
Protein change: p.Leu818Phe; replaces leucine 818 with phenylalanine.
Molecular consequence: missense variant.
Genome position (GRCh38, 1-based): chr8:47,918,351, G>A on the plus strand (C>T on the coding strand, the complement: PRKDC is on the minus strand). VCF-style: chr8-47918351-G-A. GRCh37 (hg19) VCF-style: chr8-48830911-G-A.
Other names: c.2452C>T, p.Leu818Phe (NM_001081640.2); short protein forms L818F.
Identifiers: ClinVar variation 1791510 (VCV001791510.2), dbSNP rs757882531, ClinGen allele CA371160541.

ClinVar aggregate classification (germline): Uncertain significance (1 of 4 stars; one submission).

gnomAD v4.1: 3 of 1,592,044 alleles (0.00019%); highest among the groups gnomAD compares: East Asian, 0.0022%; no homozygotes.

Submission:

Ambry Genetics
Classification: Uncertain significance. Last evaluated: 2022-05-16. Review status: criteria provided, single submitter. Criteria: Ambry Variant Classification Scheme 2023. Collection method: clinical testing. Allele origin: germline.
Comment: The p.L818F variant (also known as c.2452C>T), located in coding exon 22 of the PRKDC gene, results from a C to T substitution at nucleotide position 2452. The leucine at codon 818 is replaced by phenylalanine, an amino acid with highly similar properties. This amino acid position is conserved. In addition, this alteration is predicted to be tolerated by in silico analysis. Since supporting evidence is limited at this time, the clinical significance of this alteration remains unclear.